The following is an entry in ClinVar:

NM_000785.4(CYP27B1):c.171dup (p.Leu58fs)

Gene: CYP27B1 (cytochrome P450 family 27 subfamily B member 1; minus strand). Cytogenetic location: 12q14.1.
Variant type: Duplication.
Coding change: c.171dup on transcript NM_000785.4 (MANE Select); coding-DNA position 171, one base duplicated (G; older notation c.171dupG).
Protein change: p.Leu58fs; shifts the reading frame from leucine 58.
Molecular consequence: frameshift variant.
Genome position (GRCh38, 1-based): chr12:57,766,871, C duplicated on the plus strand (G on the coding strand, the reverse complement: CYP27B1 is on the minus strand); the first of 7 consecutive C bases (chr12:57,766,871-57,766,877); duplicating any one gives the same sequence. VCF-style (leftmost placement, unchanged base first): chr12-57766870-G-GC. GRCh37 (hg19) VCF-style: chr12-58160653-G-GC.
Other names: short protein forms L58fs.
Identifiers: ClinVar variation 595816 (VCV000595816.18), dbSNP rs763437121, ClinGen allele CA6658524.

ClinVar aggregate classification (germline): Pathogenic. Review status: criteria provided, multiple submitters, no conflicts (2 of 4 stars). 6 submissions from 6 submitters: Pathogenic (6). Last evaluated 2026-04-20.

Conditions:
CYP27B1-related disorder. Also called: CYP27B1-related condition.
Vitamin D-dependent rickets, type 1A. Also called: VITAMIN D HYDROXYLATION-DEFICIENT RICKETS, TYPE 1A; PDDR IA; PSEUDOVITAMIN D-DEFICIENCY RICKETS, TYPE IA. Identifiers: MedGen CN283242, MONDO:0020723, OMIM 264700.

Submissions (6):

GeneDx
Classification: Pathogenic. Last evaluated: 2026-04-20. Review status: criteria provided, single submitter. Criteria: GeneDx Variant Classification Process June 2021. Collection method: clinical testing. Allele origin: germline.
Comment: Frameshift variant predicted to result in protein truncation or nonsense mediated decay in a gene for which loss of function is a known mechanism of disease; This variant is associated with the following publications: (PMID: 39778955, 31261480, 35738466, 38259611)

Labcorp Genetics (formerly Invitae), Labcorp
Classification: Pathogenic. Last evaluated: 2025-02-28. Review status: criteria provided, single submitter. Criteria: Invitae Variant Classification Sherloc (09022015). Collection method: clinical testing. Allele origin: germline.
Comment: This sequence change creates a premature translational stop signal (p.Leu58Alafs*275) in the CYP27B1 gene. It is expected to result in an absent or disrupted protein product. Loss-of-function variants in CYP27B1 are known to be pathogenic (PMID: 9837822, 17488797). The frequency data for this variant in the population databases is considered unreliable, as metrics indicate poor data quality at this position in the gnomAD database. This premature translational stop signal has been observed in individual(s) with vitamin D-dependent rickets (PMID: 31261480). In at least one individual the data is consistent with being in trans (on the opposite chromosome) from a pathogenic variant. ClinVar contains an entry for this variant (Variation ID: 595816). For these reasons, this variant has been classified as Pathogenic.

Neuberg Centre For Genomic Medicine, NCGM
Classification: Pathogenic for Vitamin D-dependent rickets, type 1A. Last evaluated: 2023-06-22. Review status: criteria provided, single submitter. Criteria: ACMG Guidelines, 2015. Collection method: clinical testing. Allele origin: germline. Inheritance: Autosomal recessive inheritance. Affected: yes.
Comment: The frameshift c.171dup(p.Leu58AlafsTer275) variant in CYP27B1 gene has been reported in compound heterozygous/ homozygous states in individual(s) affected with Vitamin D-Dependent Rickets (Kim YM, et. al., 2019; Zou M, et. al., 2020). This variant is present with an allele frequency of 0.0008% in gnomAD Exomes database. This variant has been submitted to the ClinVar database as Pathogenic (multiple submissions). This variant causes a frameshift starting with codon Leucine 58, changes this amino acid to Alanine residue, and creates a premature Stop codon at position 275 of the new reading frame, denoted p.Leu58AlafsTer275. This variant is predicted to cause loss of normal protein function through protein truncation. Loss of function variants have been previously reported to be disease causing (Kim CJ, et. al., 2007). For these reasons, this variant has been classified as Pathogenic.

Laboratory of Cyto-molecular Genetics, Department of Anatomy, All India Institute of Medical Sciences (AIIMS), New Delhi
Classification: Pathogenic for Vitamin D-dependent rickets, type 1A. Last evaluated: 2022-03-07. Review status: criteria provided, single submitter. Criteria: ACMG Guidelines, 2015. Collection method: clinical testing. Allele origin: germline. Affected: yes. Observed: 2 variant alleles.
Comment: p.(Leu58Alafs*275), frameshift and premature termination codon (PTC) formation

Blueprint Genetics
Classification: Pathogenic for CYP27B1-related disorders. Last evaluated: 2019-01-18. Review status: criteria provided, single submitter. Criteria: ACMG Guidelines, 2015. Collection method: clinical testing. Allele origin: germline. Affected: yes. Observed: 1 variant allele.

Eurofins Ntd Llc (ga)
Classification: Pathogenic. Last evaluated: 2018-01-19. Review status: criteria provided, single submitter. Criteria: EGL Classification Definitions 2015. Collection method: clinical testing. Allele origin: germline. Observed: 2 variant alleles, 2 heterozygotes.

Literature cited by the submitters: PubMed 9837822 (cited by Labcorp Genetics (formerly Invitae), Labcorp); PubMed 17488797 (cited by Labcorp Genetics (formerly Invitae), Labcorp); PubMed 31261480 (cited by Labcorp Genetics (formerly Invitae), Labcorp); PubMed 35738466 (cited by Laboratory of Cyto-molecular Genetics, Department of Anatomy, All India Institute of Medical Sciences (AIIMS), New Delhi).